The following is an entry in ClinVar:

ClinVar aggregate classification (germline): Uncertain significance (1 of 4 stars; one submission).

Submission:

GeneDx
Classification: Uncertain significance. Last evaluated: 2024-04-25. Review status: criteria provided, single submitter. Criteria: GeneDx Variant Classification Process June 2021. Collection method: clinical testing. Allele origin: germline. Affected: yes.
Comment: Not observed at significant frequency in large population cohorts (gnomAD); In silico analysis supports that this missense variant has a deleterious effect on protein structure/function; Has not been previously published as pathogenic or benign to our knowledge

NM_014415.4(ZBTB11):c.92G>C (p.Arg31Pro)

Genes: ZBTB11 (zinc finger and BTB domain containing 11; minus strand), ZBTB11-AS1 (ZBTB11 antisense RNA 1; plus strand). Cytogenetic location: 3q12.3.
Variant type: single nucleotide variant.
Coding change: c.92G>C on transcript NM_014415.4 (MANE Select); coding-DNA position 92, G replaced by C.
Protein change: p.Arg31Pro; replaces arginine 31 with proline.
Molecular consequence: missense variant. On other transcripts: non-coding transcript variant (1).
Genome position (GRCh38, 1-based): chr3:101,676,823, C>G on the plus strand (G>C on the coding strand, the complement: ZBTB11 is on the minus strand). VCF-style: chr3-101676823-C-G. GRCh37 (hg19) VCF-style: chr3-101395667-C-G.
Other names: short protein forms R31P.
Identifiers: ClinVar variation 3373164 (VCV003373164.1).
Genomic context (GRCh38, chr3:101,676,823, plus strand): 5'-CGCTGGTAATACAGAGTCCCGCCGCGCACCACGTAGCAGGCGGCAGCTTTTCGGATTTTA[C>G]GCTTGACATTGCCCTCGGTGCCCGGCGCATACGGCTCGCGCTCGTTCGTCAGGTAACGCA-3'
Protein context (NP_055230.2, residues 21-41): YAPGTEGNVK[Arg31Pro]KIRKAAACYV